The following is an entry in ClinVar:

ClinVar aggregate classification (germline): Uncertain significance. Review status: criteria provided, multiple submitters, no conflicts (2 of 4 stars). 2 submissions from 2 submitters: Uncertain significance (2). Last evaluated 2025-03-24.

Conditions:
Inborn genetic diseases. Identifiers: MedGen C0950123, MeSH D030342.

Allele frequency attached by ClinVar (database versions not stated): gnomAD exomes 0.00003 and 0.00005; ExAC 0.00006.
gnomAD v4.1: 40 of 1,613,868 alleles (0.0025%); highest among the groups gnomAD compares: Non-Finnish European, 0.0029%; no homozygotes.

Submissions (2):

Ambry Genetics
Classification: Uncertain significance for Inborn genetic diseases. Last evaluated: 2025-03-24. Review status: criteria provided, single submitter. Criteria: Ambry Variant Classification Scheme 2023. Collection method: clinical testing. Allele origin: germline.

Labcorp Genetics (formerly Invitae), Labcorp
Classification: Uncertain significance. Last evaluated: 2024-07-30. Review status: criteria provided, single submitter. Criteria: Invitae Variant Classification Sherloc (09022015). Collection method: clinical testing. Allele origin: germline.
Comment: This sequence change replaces proline, which is neutral and non-polar, with alanine, which is neutral and non-polar, at codon 195 of the HACD1 protein (p.Pro195Ala). This variant is present in population databases (rs782438531, gnomAD 0.009%). This variant has not been reported in the literature in individuals affected with HACD1-related conditions. ClinVar contains an entry for this variant (Variation ID: 1388152). Advanced modeling of protein sequence and biophysical properties (such as structural, functional, and spatial information, amino acid conservation, physicochemical variation, residue mobility, and thermodynamic stability) performed at Invitae indicates that this missense variant is not expected to disrupt HACD1 protein function with a negative predictive value of 80%. In summary, the available evidence is currently insufficient to determine the role of this variant in disease. Therefore, it has been classified as a Variant of Uncertain Significance.

NM_014241.4(HACD1):c.583C>G (p.Pro195Ala)

Gene: HACD1 (3-hydroxyacyl-CoA dehydratase 1; minus strand). Cytogenetic location: 10p12.33.
Variant type: single nucleotide variant.
Coding change: c.583C>G on transcript NM_014241.4 (MANE Select); coding-DNA position 583, C replaced by G.
Protein change: p.Pro195Ala; replaces proline 195 with alanine.
Molecular consequence: missense variant.
Genome position (GRCh38, 1-based): chr10:17,599,312, G>C on the plus strand (C>G on the coding strand, the complement: HACD1 is on the minus strand). VCF-style: chr10-17599312-G-C. GRCh37 (hg19) VCF-style: chr10-17641311-G-C.
Other names: c.583C>G (NM_014241.3); short protein forms P195A.
Identifiers: ClinVar variation 1388152 (VCV001388152.8), dbSNP rs782438531, ClinGen allele CA5427262.